The following is an entry in ClinVar:

NM_000256.3(MYBPC3):c.3297G>T (p.Gly1099=)

Gene: MYBPC3 (myosin binding protein C3; minus strand). Cytogenetic location: 11p11.2.
Variant type: single nucleotide variant.
Coding change: c.3297G>T on transcript NM_000256.3 (MANE Select); coding-DNA position 3297, G replaced by T.
Protein change: p.Gly1099=; no amino-acid change (glycine 1099 retained).
Molecular consequence: synonymous variant.
Genome position (GRCh38, 1-based): chr11:47,333,227, C>A on the plus strand (G>T on the coding strand, the complement: MYBPC3 is on the minus strand). VCF-style: chr11-47333227-C-A. GRCh37 (hg19) VCF-style: chr11-47354778-C-A.
Identifiers: ClinVar variation 1532593 (VCV001532593.9), dbSNP rs371301665, ClinGen allele CA474212157.

ClinVar aggregate classification (germline): Conflicting classifications of pathogenicity. Review status: criteria provided, conflicting classifications (1 of 4 stars). 2 submissions from 2 submitters: Uncertain significance (1); Likely benign (1). Last evaluated 2023-08-28.

Conditions:
Hypertrophic cardiomyopathy. Also called: HYPERTROPHIC MYOCARDIOPATHY. Identifiers: Orphanet 217569, MedGen C0007194, MeSH D002312, MONDO:0005045, HP:0001639.

gnomAD v4.1: 2 of 1,596,500 alleles (0.00013%); highest among the groups gnomAD compares: Non-Finnish European, 0.000085%; no homozygotes.

Submissions (2):

All of Us Research Program, National Institutes of Health
Classification: Uncertain significance for Hypertrophic cardiomyopathy. Last evaluated: 2023-08-28. Review status: criteria provided, single submitter. Criteria: ACMG Guidelines, 2015. Collection method: clinical testing. Allele origin: germline. Inheritance: Autosomal dominant inheritance. Observed: 1 variant allele, 1 heterozygote.
Comment: This variant is located in the MYBPC3 protein. To our knowledge, functional studies have not been reported for this variant. This variant has not been reported in individuals affected with MYBPC3-related disorders in the literature. This variant has not been identified in the general population by the Genome Aggregation Database (gnomAD). The available evidence is insufficient to determine the role of this variant in disease conclusively. Therefore, this variant is classified as a Variant of Uncertain Significance.

This study involves interpretation of variants in research participants for the purpose of population health screening. Participant phenotype was not available at the time of variant classification. Additional details can be found in publication PMID: 35346344, PMCID: PMC8962531

Labcorp Genetics (formerly Invitae), Labcorp
Classification: Likely benign for Hypertrophic cardiomyopathy. Last evaluated: 2021-08-02. Review status: criteria provided, single submitter. Criteria: Invitae Variant Classification Sherloc (09022015). Collection method: clinical testing. Allele origin: germline.